The following is an entry in ClinVar:

ClinVar aggregate classification (germline): Uncertain significance (1 of 4 stars; one submission).

Conditions:
Autosomal recessive nonsyndromic hearing loss 12. Also called: DEAFNESS, AUTOSOMAL RECESSIVE 12. Identifiers: Orphanet 90636, MedGen C1832394, MONDO:0011067, OMIM 601386.

Submission:

Neuberg Centre For Genomic Medicine, NCGM
Classification: Uncertain significance for Autosomal recessive nonsyndromic hearing loss 12. Review status: criteria provided, single submitter. Criteria: ACMG Guidelines, 2015. Collection method: clinical testing. Allele origin: germline. Inheritance: Autosomal recessive inheritance. Affected: yes.
Comment: The c.1106T>C (p.Leu369Pro) missense variant in CDH23 gene has not been reported previously as a pathogenic variant nor as a benign variant, to our knowledge. The p.Leu369Pro variant is novel (not in any individuals) in gnomAD Exomes and 1000 Genomes. The amino acid Leu at position 369 is changed to a Pro changing protein sequence and it might alter its composition and physico-chemical properties. The amino acid change p.Leu369Pro in CDH23 is predicted as conserved by GERP++ and PhyloP across 100 vertebrates. For these reasons, this variant has been classified as Variant of Uncertain Significance (VUS).

NM_022124.6(CDH23):c.1106T>C (p.Leu369Pro)

Gene: CDH23 (cadherin related 23; plus strand). Cytogenetic location: 10q22.1.
Variant type: single nucleotide variant.
Coding change: c.1106T>C on transcript NM_022124.6 (MANE Select); coding-DNA position 1106, T replaced by C.
Protein change: p.Leu369Pro; replaces leucine 369 with proline.
Molecular consequence: missense variant.
Genome position (GRCh38, 1-based): chr10:71,617,365, T>C. VCF-style: chr10-71617365-T-C. GRCh37 (hg19) VCF-style: chr10-73377122-T-C.
Other names: c.1106T>C, p.Leu369Pro (NM_001171930.2, NM_001171931.2, NM_001171932.2 and 1 more transcripts); short protein forms L369P.
Identifiers: ClinVar variation 2584917 (VCV002584917.1), dbSNP rs1861245278, ClinGen allele CA377122631.